The following is an entry in ClinVar:

NM_052945.4(TNFRSF13C):c.424G>A (p.Ala142Thr)

Gene: TNFRSF13C (TNF receptor superfamily member 13C; minus strand). Cytogenetic location: 22q13.2.
Variant type: single nucleotide variant.
Coding change: c.424G>A on transcript NM_052945.4 (MANE Select); coding-DNA position 424, G replaced by A.
Protein change: p.Ala142Thr; replaces alanine 142 with threonine.
Molecular consequence: missense variant.
Genome position (GRCh38, 1-based): chr22:41,925,498, C>T on the plus strand (G>A on the coding strand, the complement: TNFRSF13C is on the minus strand). VCF-style: chr22-41925498-C-T. GRCh37 (hg19) VCF-style: chr22-42321502-C-T.
Other names: short protein forms A142T.
Identifiers: ClinVar variation 1520872 (VCV001520872.8), dbSNP rs367567995, ClinGen allele CA10262437.
Genomic context (GRCh38, chr22:41,925,498, plus strand): 5'-GGACACTGTGGCCAGGTGGGGTGGTTCCTGGGTCTTCCCCAGGAGGAGGCCAGGCAGGAG[C>T]TGTGGCATCAGAGATTCCCGGAGACAGAATGATGACCTTGTCCAGGGGCTCTGGGGCTGC-3'
Protein context (NP_443177.1, residues 132-152): ILSPGISDAT[Ala142Thr]PAWPPPGEDP

ClinVar aggregate classification (germline): Uncertain significance (1 of 4 stars; one submission).

Conditions:
Immunodeficiency, common variable, 4. Also called: ANTIBODY DEFICIENCY DUE TO BAFFR DEFECT. Identifiers: Orphanet 1572, Orphanet 696925, MedGen C3150739, MONDO:0013284, OMIM 613494.

Allele frequency attached by ClinVar (database versions not stated): gnomAD exomes 0.00001 and 0.00002; TOPMed 0.00002; ExAC 0.00002; ESP Exome Variant Server 0.00008.
gnomAD v4.1: 13 of 1,613,528 alleles (0.00081%); highest among the groups gnomAD compares: Non-Finnish European, 0.0011%; no homozygotes.

Submission:

Labcorp Genetics (formerly Invitae), Labcorp
Classification: Uncertain significance for Immunodeficiency, common variable, 4. Last evaluated: 2025-10-06. Review status: criteria provided, single submitter. Criteria: Invitae Variant Classification Sherloc (09022015). Collection method: clinical testing. Allele origin: germline.
Comment: This sequence change replaces alanine, which is neutral and non-polar, with threonine, which is neutral and polar, at codon 142 of the TNFRSF13C protein (p.Ala142Thr). This variant is present in population databases (rs367567995, gnomAD 0.004%). This variant has not been reported in the literature in individuals affected with TNFRSF13C-related conditions. ClinVar contains an entry for this variant (Variation ID: 1520872). An algorithm developed to predict the effect of missense changes on protein structure and function outputs the following: PolyPhen-2: "Benign". The threonine amino acid residue is found in multiple mammalian species, which suggests that this missense change does not adversely affect protein function. In summary, the available evidence is currently insufficient to determine the role of this variant in disease. Therefore, it has been classified as a Variant of Uncertain Significance.